The following is an entry in ClinVar:

ClinVar aggregate classification (germline): Uncertain significance (1 of 4 stars; one submission).

Conditions:
Pyogenic arthritis-pyoderma gangrenosum-acne syndrome (PAPA). Also called: FAMILIAL RECURRENT ARTHRITIS; PAPA SYNDROME. Identifiers: Orphanet 69126, MedGen C1858361, MONDO:0011462, OMIM 604416.

Submission:

Labcorp Genetics (formerly Invitae), Labcorp
Classification: Uncertain significance for Pyogenic arthritis-pyoderma gangrenosum-acne syndrome. Last evaluated: 2025-08-03. Review status: criteria provided, single submitter. Criteria: Invitae Variant Classification Sherloc (09022015). Collection method: clinical testing. Allele origin: germline.
Comment: This sequence change replaces arginine, which is basic and polar, with lysine, which is basic and polar, at codon 44 of the PSTPIP1 protein (p.Arg44Lys). This variant is not present in population databases (gnomAD no frequency). This variant has not been reported in the literature in individuals affected with PSTPIP1-related conditions. ClinVar contains an entry for this variant (Variation ID: 3706344). Invitae Evidence Modeling of protein sequence and biophysical properties (such as structural, functional, and spatial information, amino acid conservation, physicochemical variation, residue mobility, and thermodynamic stability) indicates that this missense variant is not expected to disrupt PSTPIP1 protein function with a negative predictive value of 80%. In summary, the available evidence is currently insufficient to determine the role of this variant in disease. Therefore, it has been classified as a Variant of Uncertain Significance.

NM_003978.5(PSTPIP1):c.131G>A (p.Arg44Lys)

Gene: PSTPIP1 (proline-serine-threonine phosphatase interacting protein 1; plus strand). Cytogenetic location: 15q24.3.
Variant type: single nucleotide variant.
Coding change: c.131G>A on transcript NM_003978.5 (MANE Select); coding-DNA position 131, G replaced by A.
Protein change: p.Arg44Lys; replaces arginine 44 with lysine.
Molecular consequence: missense variant. On other transcripts: non-coding transcript variant (1).
Genome position (GRCh38, 1-based): chr15:77,018,242, G>A. VCF-style: chr15-77018242-G-A. GRCh37 (hg19) VCF-style: chr15-77310583-G-A.
Other names: c.131G>A, p.Arg44Lys (NM_001321135.2, NM_001411086.1); c.104G>A, p.Arg35Lys (NM_001321136.2); c.326G>A, p.Arg109Lys (NM_001321137.1); short protein forms R109K, R44K, R35K.
Identifiers: ClinVar variation 3706344 (VCV003706344.2).